The following is an entry in ClinVar:

ClinVar aggregate classification (germline): Uncertain significance. Review status: criteria provided, multiple submitters, no conflicts (2 of 4 stars). 2 submissions from 2 submitters: Uncertain significance (2). Last evaluated 2023-09-30.

Conditions:
Charcot-Marie-Tooth disease axonal type 2Z. Also called: CHARCOT-MARIE-TOOTH DISEASE, AXONAL, AUTOSOMAL DOMINANT, TYPE 2Z; CHARCOT-MARIE-TOOTH NEUROPATHY, TYPE 2Z. Identifiers: Orphanet 466768, MedGen C5569025, MONDO:0014736, OMIM 616688.

Allele frequency attached by ClinVar (database versions not stated): gnomAD exomes 0.00003.

Submissions (2):

Labcorp Genetics (formerly Invitae), Labcorp
Classification: Uncertain significance for Charcot-Marie-Tooth disease axonal type 2Z. Last evaluated: 2023-09-30. Review status: criteria provided, single submitter. Criteria: Invitae Variant Classification Sherloc (09022015). Collection method: clinical testing. Allele origin: germline.
Comment: This sequence change falls in intron 12 of the MORC2 gene. It does not directly change the encoded amino acid sequence of the MORC2 protein. This variant is not present in population databases (gnomAD no frequency). This variant has not been reported in the literature in individuals affected with MORC2-related conditions. Algorithms developed to predict the effect of sequence changes on RNA splicing suggest that this variant may create or strengthen a splice site. In summary, the available evidence is currently insufficient to determine the role of this variant in disease. Therefore, it has been classified as a Variant of Uncertain Significance.

Blueprint Genetics
Classification: Uncertain significance. Last evaluated: 2022-02-09. Review status: criteria provided, single submitter. Criteria: ACMG Guidelines, 2015. Collection method: clinical testing. Allele origin: germline.

NM_001303256.3(MORC2):c.1074-7T>G

Gene: MORC2 (MORC family CW-type zinc finger 2; minus strand). Cytogenetic location: 22q12.2.
Variant type: single nucleotide variant.
Coding change: c.1074-7T>G on transcript NM_001303256.3 (MANE Select); 7 bases into the intron before coding-DNA position 1074, T replaced by G.
Molecular consequence: intron variant.
Genome position (GRCh38, 1-based): chr22:30,938,212, A>C on the plus strand (T>G on the coding strand, the complement: MORC2 is on the minus strand). VCF-style: chr22-30938212-A-C. GRCh37 (hg19) VCF-style: chr22-31334199-A-C.
Other names: c.1074-7T>G (NM_001303257.2); c.888-7T>G (NM_014941.3).
Identifiers: ClinVar variation 2960752 (VCV002960752.4), dbSNP rs1056103288, ClinGen allele CA323276552.